The following is an entry in ClinVar:

NM_000062.3(SERPING1):c.52-1G>A

Gene: SERPING1 (serpin family G member 1; plus strand). Cytogenetic location: 11q12.1.
Variant type: single nucleotide variant.
Coding change: c.52-1G>A on transcript NM_000062.3 (MANE Select); the canonical splice acceptor site of the intron before coding-DNA position 52, G replaced by A.
Molecular consequence: splice acceptor variant.
Genome position (GRCh38, 1-based): chr11:57,599,878, G>A. VCF-style: chr11-57599878-G-A. GRCh37 (hg19) VCF-style: chr11-57367351-G-A.
Other names: c.52-1G>A (NM_001032295.2).
Identifiers: ClinVar variation 280064 (VCV000280064.5), dbSNP rs886041353, ClinGen allele CA10603251.

ClinVar aggregate classification (germline): Pathogenic. Review status: criteria provided, multiple submitters, no conflicts (2 of 4 stars). 2 submissions from 2 submitters: Pathogenic (2). Last evaluated 2024-07-20.

Conditions:
Hereditary angioedema type 1 (HAE1). Identifiers: Orphanet 100050, Orphanet 100051, Orphanet 91378, MedGen C2717906, MONDO:0015053, OMIM 106100.

Submissions (2):

DNA-diagnostics Laboratory, Research Centre For Medical Genetics
Classification: Pathogenic for Hereditary angioedema type 1. Last evaluated: 2024-07-20. Review status: criteria provided, single submitter. Criteria: ACMG Guidelines, 2015. Collection method: research. Allele origin: germline. Inheritance: Autosomal dominant inheritance. Affected: yes. Observed: 1 heterozygote.
Comment: The pathogenic or likely pathogenic SERPING1 gene variants are detected in >90% of the HAE1/2 families and in >80% of the total HAE families (e.g., DOI: 10.1016/j.molimm.2008.05.007, 10.1159/2F000138883, 10.1016/j.molimm.2011.07.010). Across all SERPING1 gene exons, about 50% of the pathogenic or likely pathogenic variants associated with HAE are LoF (173/297 in ClinVar or 292/596 in HGMD 2022.1). The same variant has previously been reported in 2 HAE1/2 cases (DOI: 10.1159/000138883, 10.1111/all.15034). According to our observation and the published information the c.52-1G>A variant in SERPING1 meets ACMG/ClinGen SVI guidance criteria to be classified as pathogenic: PVS1, PS4_Mod, PP4_Mod, PM2_Sup, PP4

GeneDx
Classification: Pathogenic. Last evaluated: 2016-09-21. Review status: criteria provided, single submitter. Criteria: GeneDx Variant Classification (06012015). Collection method: clinical testing. Allele origin: germline. Affected: yes.
Comment: The c.52-1 G>A splice site variant in the SERPING1 gene has been previously reported in association with hereditary angioedema (GÃ¶sswein et al., 2008). This variant destroys the canonical splice acceptor site in intron 2, and is expected to cause abnormal gene splicing. Additionally, the variant was not observed in approximately 6,500 individuals of European and African American ancestry in the NHLBI Exome Sequencing Project, indicating it is not a common benign variant in these populations.

Literature cited by the submitters: DOI 10.1159/000138883 (cited by DNA-diagnostics Laboratory, Research Centre For Medical Genetics); DOI 10.1111/all.15034 (cited by DNA-diagnostics Laboratory, Research Centre For Medical Genetics).